The following is an entry in ClinVar:

NM_014000.3(VCL):c.2528C>G (p.Pro843Arg)

Gene: VCL (vinculin; plus strand). Cytogenetic location: 10q22.2.
Variant type: single nucleotide variant.
Coding change: c.2528C>G on transcript NM_014000.3 (MANE Select); coding-DNA position 2528, C replaced by G.
Protein change: p.Pro843Arg; replaces proline 843 with arginine.
Molecular consequence: missense variant.
Genome position (GRCh38, 1-based): chr10:74,107,323, C>G. VCF-style: chr10-74107323-C-G. GRCh37 (hg19) VCF-style: chr10-75867081-C-G.
Other names: c.2528C>G, p.Pro843Arg (NM_003373.4); short protein forms P843R.
Identifiers: ClinVar variation 1718984 (VCV001718984.5), dbSNP rs764302249, ClinGen allele CA377263804.

ClinVar aggregate classification (germline): Uncertain significance (1 of 4 stars; one submission).

Conditions:
Dilated cardiomyopathy 1W (CMD1W). Identifiers: Orphanet 154, MedGen C1969639, MONDO:0012667, OMIM 611407.

Submission:

Labcorp Genetics (formerly Invitae), Labcorp
Classification: Uncertain significance for Dilated cardiomyopathy 1W. Last evaluated: 2022-09-07. Review status: criteria provided, single submitter. Criteria: Invitae Variant Classification Sherloc (09022015). Collection method: clinical testing. Allele origin: germline.
Comment: Algorithms developed to predict the effect of missense changes on protein structure and function are either unavailable or do not agree on the potential impact of this missense change (SIFT: "Not Available"; PolyPhen-2: "Probably Damaging"; Align-GVGD: "Not Available"). In summary, the available evidence is currently insufficient to determine the role of this variant in disease. Therefore, it has been classified as a Variant of Uncertain Significance. This variant has not been reported in the literature in individuals affected with VCL-related conditions. This variant is not present in population databases (gnomAD no frequency). This sequence change replaces proline, which is neutral and non-polar, with arginine, which is basic and polar, at codon 843 of the VCL protein (p.Pro843Arg).